The following is an entry in ClinVar:

ClinVar aggregate classification (germline): Pathogenic (1 of 4 stars; one submission).

Conditions:
Telangiectasia, hereditary hemorrhagic, type 1 (HHT1). Also called: Osler Weber Rendu syndrome type 1; ENG-Related Hereditary Hemorrhagic Telangiectasia. Identifiers: Orphanet 774, MedGen C4551861, MONDO:0008535, OMIM 187300. Disease mechanism: loss of function.

Submission:

NIHR Bioresource Rare Diseases, University of Cambridge
Classification: Pathogenic for Telangiectasia, hereditary hemorrhagic, type 1. Last evaluated: 2018-01-01. Review status: criteria provided, single submitter. Criteria: ACMG Guidelines, 2015. Collection method: research. Allele origin: unknown. Affected: yes. Observed: 3 variant alleles.
Comment: PVS1+PM2+PP4

Literature cited by the submitters: PubMed 32573726.

NM_001114753.3(ENG):c.370del (p.Leu124fs)

Gene: ENG (endoglin; minus strand). Cytogenetic location: 9q34.11.
Variant type: Deletion.
Coding change: c.370del on transcript NM_001114753.3 (MANE Select); coding-DNA position 370, one base deleted (C; older notation c.370delC).
Protein change: p.Leu124fs; shifts the reading frame from leucine 124.
Molecular consequence: frameshift variant. On other transcripts: 5 prime UTR variant (1).
Genome position (GRCh38, 1-based): chr9:127,826,663, G deleted on the plus strand (C on the coding strand, the reverse complement: ENG is on the minus strand); the first of 2 consecutive G bases (chr9:127,826,663-127,826,664); deleting either gives the same sequence. VCF-style (leftmost placement, unchanged base first): chr9-127826662-AG-A. GRCh37 (hg19) VCF-style: chr9-130588941-AG-A.
Other names: c.369delC, p.Leu124Trpfs (NM_000118.4, NM_001406715.1); c.-177del (NM_001278138.2); short protein forms L124fs.
Identifiers: ClinVar variation 983203 (VCV000983203.3), dbSNP rs1830624241, ClinGen allele CA1139661223.